The following is an entry in ClinVar:

NM_003072.5(SMARCA4):c.4870C>T (p.Pro1624Ser)

Gene: SMARCA4 (SWI/SNF related BAF chromatin remodeling complex subunit ATPase 4; plus strand). Cytogenetic location: 19p13.2.
Variant type: single nucleotide variant.
Coding change: c.4870C>T on transcript NM_003072.5 (MANE Select); coding-DNA position 4870, C replaced by T.
Protein change: p.Pro1624Ser; replaces proline 1624 with serine.
Molecular consequence: missense variant. On other transcripts: non-coding transcript variant (1).
Genome position (GRCh38, 1-based): chr19:11,060,146, C>T. VCF-style: chr19-11060146-C-T. GRCh37 (hg19) VCF-style: chr19-11170822-C-T.
Other names: c.4870C>T, p.Pro1624Ser (NM_001128844.3); c.4780C>T, p.Pro1594Ser (NM_001128845.2); c.4777C>T, p.Pro1593Ser (NM_001128846.2); c.4771C>T, p.Pro1591Ser (NM_001128847.4, NM_001374457.1); c.4768C>T, p.Pro1590Ser (NM_001128848.2); c.4966C>T, p.Pro1656Ser (NM_001128849.3, NM_001387283.1); short protein forms P1656S, P1594S, P1590S, P1591S, P1593S, P1624S.
Identifiers: ClinVar variation 537822 (VCV000537822.15), dbSNP rs1555796335, ClinGen allele CA404080815.

ClinVar aggregate classification (germline): Uncertain significance. Review status: criteria provided, multiple submitters, no conflicts (2 of 4 stars). 3 submissions from 3 submitters: Uncertain significance (3). Last evaluated 2024-10-02.

Conditions:
Hereditary cancer-predisposing syndrome. Also called: Tumor predisposition; Hereditary Cancer Syndrome; Hereditary neoplastic syndrome; Neoplastic Syndromes, Hereditary. Identifiers: Orphanet 140162, MedGen C0027672, MeSH D009386, MONDO:0015356.
Rhabdoid tumor predisposition syndrome 2 (RTPS2). Identifiers: Orphanet 231108, Orphanet 69077, MedGen C2750074, MONDO:0013224, OMIM 613325.
Intellectual disability, autosomal dominant 16 (CSS4). Also called: COFFIN-SIRIS SYNDROME 4. Identifiers: Orphanet 1465, MedGen C3553249, MONDO:0013821, OMIM 614609.

Allele frequency attached by ClinVar (database versions not stated): gnomAD exomes below 0.00001.
gnomAD v4.1: 2 of 1,551,186 alleles (0.00013%); highest among the groups gnomAD compares: Non-Finnish European, 0.00017%; no homozygotes.

Submissions (3):

Labcorp Genetics (formerly Invitae), Labcorp
Classification: Uncertain significance for Rhabdoid tumor predisposition syndrome 2. Last evaluated: 2024-10-02. Review status: criteria provided, single submitter. Criteria: Invitae Variant Classification Sherloc (09022015). Collection method: clinical testing. Allele origin: germline.
Comment: This sequence change replaces proline, which is neutral and non-polar, with serine, which is neutral and polar, at codon 1656 of the SMARCA4 protein (p.Pro1656Ser). This variant is not present in population databases (gnomAD no frequency). This variant has not been reported in the literature in individuals affected with SMARCA4-related conditions. ClinVar contains an entry for this variant (Variation ID: 537822). Invitae Evidence Modeling of protein sequence and biophysical properties (such as structural, functional, and spatial information, amino acid conservation, physicochemical variation, residue mobility, and thermodynamic stability) indicates that this missense variant is expected to disrupt SMARCA4 protein function with a positive predictive value of 95%. In summary, the available evidence is currently insufficient to determine the role of this variant in disease. Therefore, it has been classified as a Variant of Uncertain Significance.

Genome-Nilou Lab
Classification: Uncertain significance for Intellectual disability, autosomal dominant 16. Last evaluated: 2021-07-15. Review status: criteria provided, single submitter. Criteria: ACMG Guidelines, 2015. Collection method: clinical testing. Allele origin: germline. Affected: no.

Ambry Genetics
Classification: Uncertain significance for Hereditary cancer-predisposing syndrome. Last evaluated: 2021-03-10. Review status: criteria provided, single submitter. Criteria: Ambry Variant Classification Scheme 2023. Collection method: clinical testing. Allele origin: germline.
Comment: The p.P1656S variant (also known as c.4966C>T), located in coding exon 34 of the SMARCA4 gene, results from a C to T substitution at nucleotide position 4966. The proline at codon 1656 is replaced by serine, an amino acid with similar properties. This amino acid position is highly conserved in available vertebrate species. In addition, the in silico prediction for this alteration is inconclusive. Missense and in-frame variants in SMARCA4 are known to cause neurodevelopmental disorders; however, such associations with rhabdoid tumor predisposition syndrome including small cell carcinoma of the ovary-hypercalcemic type (SCCOHT) are exceedingly rare (Kosho T et al. Am J Med Genet C Semin Med Genet. 2014 Sep;166C(3):262-75; Jelinic P et al. Nat Genet. 2014 May;46(5):424-6). Based on the supporting evidence, the association of this alteration with Coffin-Siris syndromer is unknown; however, the association of this alteration with rhabdoid tumor predisposition syndrome is unlikely.